The following is an entry in ClinVar:

ClinVar aggregate classification (germline): Uncertain significance (1 of 4 stars; one submission).

Conditions:
Epidermodysplasia verruciformis. Identifiers: Orphanet 302, MedGen C0014522, MONDO:0009176.

Submission:

Labcorp Genetics (formerly Invitae), Labcorp
Classification: Uncertain significance for Epidermodysplasia verruciformis. Last evaluated: 2020-08-14. Review status: criteria provided, single submitter. Criteria: Invitae Variant Classification Sherloc (09022015). Collection method: clinical testing. Allele origin: germline.
Comment: This variant has not been reported in the literature in individuals with TMC8-related conditions. The frequency data for this variant in the population databases is considered unreliable, as metrics indicate insufficient coverage at this position in the ExAC database. This sequence change replaces arginine with tryptophan at codon 53 of the TMC8 protein (p.Arg53Trp). The arginine residue is weakly conserved and there is a moderate physicochemical difference between arginine and tryptophan. Algorithms developed to predict the effect of missense changes on protein structure and function output the following: SIFT: "Deleterious"; PolyPhen-2: "Probably Damaging"; Align-GVGD: "Class C0". The tryptophan amino acid residue is found in multiple mammalian species, suggesting that this missense change does not adversely affect protein function. These predictions have not been confirmed by published functional studies and their clinical significance is uncertain. In summary, the available evidence is currently insufficient to determine the role of this variant in disease. Therefore, it has been classified as a Variant of Uncertain Significance.

NM_152468.5(TMC8):c.157C>T (p.Arg53Trp)

Genes: TMC6 (transmembrane channel like 6; minus strand), TMC8 (transmembrane channel like 8; plus strand), LOC130061792 (ATAC-STARR-seq lymphoblastoid silent region 9043; plus strand). Cytogenetic location: 17q25.3.
Variant type: single nucleotide variant.
Coding change: c.157C>T on transcript NM_152468.5 (MANE Select); coding-DNA position 157, C replaced by T.
Protein change: p.Arg53Trp; replaces arginine 53 with tryptophan.
Molecular consequence: missense variant. On other transcripts: intron variant (1).
Genome position (GRCh38, 1-based): chr17:78,131,889, C>T. VCF-style: chr17-78131889-C-T. GRCh37 (hg19) VCF-style: chr17-76127970-C-T.
Other names: c.-75+452G>A (NM_007267.7); short protein forms R53W.
Identifiers: ClinVar variation 1022027 (VCV001022027.9), dbSNP rs1417544539, ClinGen allele CA401239456.